The following is an entry in ClinVar:

ClinVar aggregate classification (germline): Uncertain significance (1 of 4 stars; one submission).

Conditions:
Early-infantile DEE. Also called: Early infantile epileptic encephalopathy; Early infantile epileptic encephalopathy with suppression bursts; Ohtahara syndrome. Identifiers: Orphanet 1934, MedGen C0393706, MONDO:0800491.

Allele frequency attached by ClinVar (database versions not stated): TOPMed below 0.00001.

Submission:

Labcorp Genetics (formerly Invitae), Labcorp
Classification: Uncertain significance for Early-infantile DEE. Last evaluated: 2025-06-02. Review status: criteria provided, single submitter. Criteria: Invitae Variant Classification Sherloc (09022015). Collection method: clinical testing. Allele origin: germline.
Comment: This sequence change replaces glutamic acid, which is acidic and polar, with glycine, which is neutral and non-polar, at codon 632 of the SPTAN1 protein (p.Glu632Gly). This variant is not present in population databases (gnomAD no frequency). This variant has not been reported in the literature in individuals affected with SPTAN1-related conditions. ClinVar contains an entry for this variant (Variation ID: 2816538). Invitae Evidence Modeling of protein sequence and biophysical properties (such as structural, functional, and spatial information, amino acid conservation, physicochemical variation, residue mobility, and thermodynamic stability) has been performed for this missense variant. However, the output from this modeling did not meet the statistical confidence thresholds required to predict the impact of this variant on SPTAN1 protein function. In summary, the available evidence is currently insufficient to determine the role of this variant in disease. Therefore, it has been classified as a Variant of Uncertain Significance.

NM_001130438.3(SPTAN1):c.1895A>G (p.Glu632Gly)

Gene: SPTAN1 (spectrin alpha, non-erythrocytic 1; plus strand). Cytogenetic location: 9q34.11.
Variant type: single nucleotide variant.
Coding change: c.1895A>G on transcript NM_001130438.3 (MANE Select); coding-DNA position 1895, A replaced by G.
Protein change: p.Glu632Gly; replaces glutamic acid 632 with glycine.
Molecular consequence: missense variant.
Genome position (GRCh38, 1-based): chr9:128,583,165, A>G. VCF-style: chr9-128583165-A-G. GRCh37 (hg19) VCF-style: chr9-131345444-A-G.
Other names: c.1895A>G, p.Glu632Gly (NM_001195532.2, NM_001363759.2, NM_001363765.2 and 5 more transcripts); c.1931A>G, p.Glu644Gly (NM_001375312.2, NM_001375318.1); short protein forms E644G, E632G.
Identifiers: ClinVar variation 2816538 (VCV002816538.3), dbSNP rs1852158621, ClinGen allele CA375055671.
Genomic context (GRCh38, chr9:128,583,165, plus strand): 5'-AGAAGCATCAGGCTTTTGAGGCTGAGCTCTCAGCAAACCAGAGCCGAATTGATGCCTTGG[A>G]GAAAGCTGGCCAAAAGCTGATTGATGTCAACCACTATGCCAAGGATGAAGTGGCAGCTCG-3'
Protein context (NP_001123910.1, residues 622-642): SANQSRIDAL[Glu632Gly]KAGQKLIDVN